The following is an entry in ClinVar:

ClinVar aggregate classification (germline): Uncertain significance (1 of 4 stars; one submission).

Conditions:
Familial thoracic aortic aneurysm and aortic dissection (TAAD). Also called: Thoracic aortic aneurysms and dissections. Identifiers: Orphanet 91387, MedGen C4707243, MONDO:0019625.

Submission:

Ambry Genetics
Classification: Uncertain significance for Familial thoracic aortic aneurysm and aortic dissection. Last evaluated: 2023-12-10. Review status: criteria provided, single submitter. Criteria: Ambry Variant Classification Scheme 2023. Collection method: clinical testing. Allele origin: germline.
Comment: The p.Q2112E variant (also known as c.6334C>G), located in coding exon 43 of the MED12 gene, results from a C to G substitution at nucleotide position 6334. The glutamine at codon 2112 is replaced by glutamic acid, an amino acid with highly similar properties. This amino acid position is conserved. In addition, this alteration is predicted to be tolerated by in silico analysis. Since supporting evidence is limited at this time, the clinical significance of this alteration remains unclear.

NM_005120.3(MED12):c.6334C>G (p.Gln2112Glu)

Gene: MED12 (mediator complex subunit 12; plus strand). Cytogenetic location: Xq13.1.
Variant type: single nucleotide variant.
Coding change: c.6334C>G on transcript NM_005120.3 (MANE Select); coding-DNA position 6334, C replaced by G.
Protein change: p.Gln2112Glu; replaces glutamine 2112 with glutamic acid.
Molecular consequence: missense variant.
Genome position (GRCh38, 1-based): chrX:71,141,296, C>G. VCF-style: chrX-71141296-C-G. GRCh37 (hg19) VCF-style: chrX-70361146-C-G.
Other names: short protein forms Q2112E.
Identifiers: ClinVar variation 3224595 (VCV003224595.1), dbSNP rs2147842133, ClinGen allele CA413542013.
Genomic context (GRCh38, chrX:71,141,296, plus strand): 5'-CAGCAACAGCAACAGCAGCAGCAGCAGCAGCAGCAACAGCAACAGCAGCAGCAGCAACAG[C>G]AACAACAGCAACACCAGCAGCAACAGCAGCAACAGGCGGCTCCTCCCCAACCCCAGCCCC-3'
Protein context (NP_005111.2, residues 2102-2122): QQQQQQQQQQ[Gln2112Glu]QQQHQQQQQQ